The following is an entry in ClinVar:

NM_001048174.2(MUTYH):c.77del (p.Ala26fs)

Gene: MUTYH (mutY DNA glycosylase; minus strand). Cytogenetic location: 1p34.1.
Variant type: Deletion.
Coding change: c.77del on transcript NM_001048174.2 (MANE Select); coding-DNA position 77, one base deleted (C; older notation c.77delC).
Protein change: p.Ala26fs; shifts the reading frame from alanine 26.
Molecular consequence: frameshift variant. On other transcripts: 5 prime UTR variant (4), non-coding transcript variant (2).
Genome position (GRCh38, 1-based): chr1:45,334,429, G deleted on the plus strand (C on the coding strand, the reverse complement: MUTYH is on the minus strand). VCF-style (leftmost placement, unchanged base first): chr1-45334428-AG-A. GRCh37 (hg19) VCF-style: chr1-45800100-AG-A.
Other names: c.77del, p.Ala26fs (NM_001048171.2, NM_001048172.2, NM_001048173.2 and 2 more transcripts); c.119del, p.Ala40fs (NM_001128425.2, NM_001293190.2, NM_012222.3); c.-136del (NM_001293192.2, NM_001293196.2); c.-195del (NM_001350650.2); c.-131del (NM_001350651.2); c.119delC, p.Ala40Valfs (NM_001407069.1, NM_001407073.1); c.77delC, p.Ala26Valfs (NM_001407070.1, NM_001407071.1, NM_001407072.1 and 10 more transcripts); c.-80delC (NM_001407075.1); and 3 more; short protein forms A26fs, A40fs.
Identifiers: ClinVar variation 1746870 (VCV001746870.2), dbSNP rs2524356477, ClinGen allele CA2580063293.

ClinVar aggregate classification (germline): Pathogenic (1 of 4 stars; one submission).

Conditions:
Hereditary cancer-predisposing syndrome. Also called: Hereditary Cancer Syndrome; Neoplastic Syndromes, Hereditary; Tumor predisposition; Hereditary neoplastic syndrome. Identifiers: Orphanet 140162, MedGen C0027672, MeSH D009386, MONDO:0015356.

Submission:

Ambry Genetics
Classification: Pathogenic for Hereditary cancer-predisposing syndrome. Last evaluated: 2022-06-13. Review status: criteria provided, single submitter. Criteria: Ambry Variant Classification Scheme 2023. Collection method: clinical testing. Allele origin: germline.
Comment: The c.119delC pathogenic mutation, located in coding exon 2 of the MUTYH gene, results from a deletion of one nucleotide at nucleotide position 119, causing a translational frameshift with a predicted alternate stop codon (p.A40Vfs*18). This alteration is expected to result in loss of function by premature protein truncation or nonsense-mediated mRNA decay. As such, this alteration is interpreted as a disease-causing mutation.